The following is an entry in ClinVar:

ClinVar aggregate classification (germline): Benign/Likely benign. Review status: criteria provided, multiple submitters, no conflicts (2 of 4 stars). 2 submissions from 2 submitters: Benign (1); Likely benign (1). Last evaluated 2018-05-21.

Conditions:
Tryptophan 5-monooxygenase deficiency. Identifiers: MedGen CN120491.

Allele frequency attached by ClinVar (database versions not stated): 1000 Genomes Project 30x 0.00031; 1000 Genomes Project 0.00040; TOPMed 0.00077; ESP Exome Variant Server 0.00123; gnomAD exomes 0.00198 and 0.00279; gnomAD 0.00214 and 0.00228; ExAC 0.00266.
gnomAD v4.1: 3,205 of 1,613,416 alleles (0.2%); highest among the groups gnomAD compares: Non-Finnish European, 0.17%; 13 homozygotes.

Submissions (2):

Labcorp Genetics (formerly Invitae), Labcorp
Classification: Benign. Last evaluated: 2018-05-21. Review status: criteria provided, single submitter. Criteria: Invitae Variant Classification Sherloc (09022015). Collection method: clinical testing. Allele origin: germline.

Illumina Laboratory Services, Illumina
Classification: Likely benign for Tryptophan 5-monooxygenase deficiency. Last evaluated: 2017-04-28. Review status: criteria provided, single submitter. Criteria: ICSL Variant Classification Criteria 13 December 2019. Collection method: clinical testing. Allele origin: germline.
Comment: This variant was observed as part of a predisposition screen in an ostensibly healthy population. A literature search was performed for the gene, cDNA change, and amino acid change (where applicable). No publications were found based on this search. Allele frequency data from public databases allowed determination this variant is unlikely to cause disease. Therefore, this variant is classified as likely benign.

NM_173353.4(TPH2):c.540A>G (p.Pro180=)

Gene: TPH2 (tryptophan hydroxylase 2; plus strand). Cytogenetic location: 12q21.1.
Variant type: single nucleotide variant.
Coding change: c.540A>G on transcript NM_173353.4 (MANE Select); coding-DNA position 540, A replaced by G.
Protein change: p.Pro180=; no amino-acid change (proline 180 retained).
Molecular consequence: synonymous variant.
Genome position (GRCh38, 1-based): chr12:71,944,686, A>G. VCF-style: chr12-71944686-A-G. GRCh37 (hg19) VCF-style: chr12-72338466-A-G.
Identifiers: ClinVar variation 310383 (VCV000310383.8), dbSNP rs139968591, ClinGen allele CA6689784.
Genomic context (GRCh38, chr12:71,944,686, plus strand): 5'-GTTAGACAAATGCTCTCACAGAGTTCTCATGTATGGTTCTGAGCTTGATGCTGACCACCC[A>G]GTAAGTGTCCAGTAAAATCTATTTCTCACATGCTCTTTCAGCTCCACCCATGTGCCAGGC-3'
Protein context (NP_775489.2, residues 170-190): MYGSELDADH[Pro180=]GFKDNVYRQR